The following is an entry in ClinVar:

NM_003738.5(PTCH2):c.1205A>C (p.Tyr402Ser)

Gene: PTCH2 (patched 2; minus strand). Cytogenetic location: 1p34.1.
Variant type: single nucleotide variant.
Coding change: c.1205A>C on transcript NM_003738.5 (MANE Select); coding-DNA position 1205, A replaced by C.
Protein change: p.Tyr402Ser; replaces tyrosine 402 with serine.
Molecular consequence: missense variant.
Genome position (GRCh38, 1-based): chr1:44,829,412, T>G on the plus strand (A>C on the coding strand, the complement: PTCH2 is on the minus strand). VCF-style: chr1-44829412-T-G. GRCh37 (hg19) VCF-style: chr1-45295084-T-G.
Other names: c.1205A>C, p.Tyr402Ser (NM_001166292.2); short protein forms Y402S.
Identifiers: ClinVar variation 4806221 (VCV004806221.1).

ClinVar aggregate classification (germline): Uncertain significance (1 of 4 stars; one submission).

Conditions:
Gorlin syndrome. Also called: Basal cell nevus syndrome; Nevoid Basal Cell Carcinoma Syndrome. Identifiers: Orphanet 377, MedGen C0004779, MONDO:0007187.

gnomAD v4.1: 5 of 1,614,118 alleles (0.00031%); highest among the groups gnomAD compares: Non-Finnish European, 0.00017%; no homozygotes.

Submission:

Labcorp Genetics (formerly Invitae), Labcorp
Classification: Uncertain significance for Gorlin syndrome. Last evaluated: 2025-11-30. Review status: criteria provided, single submitter. Criteria: Invitae Variant Classification Sherloc (09022015). Collection method: clinical testing. Allele origin: germline.
Comment: This sequence change replaces tyrosine, which is neutral and polar, with serine, which is neutral and polar, at codon 402 of the PTCH2 protein (p.Tyr402Ser). This variant is not present in population databases (gnomAD no frequency). This variant has not been reported in the literature in individuals affected with PTCH2-related conditions. Invitae Evidence Modeling of protein sequence and biophysical properties (such as structural, functional, and spatial information, amino acid conservation, physicochemical variation, residue mobility, and thermodynamic stability) has been performed for this missense variant. However, the output from this modeling did not meet the statistical confidence thresholds required to predict the impact of this variant on PTCH2 protein function. In summary, the available evidence is currently insufficient to determine the role of this variant in disease. Therefore, it has been classified as a Variant of Uncertain Significance.